The following is an entry in ClinVar:

NM_000245.4(MET):c.1912A>T (p.Ile638Leu)

Gene: MET (MET proto-oncogene, receptor tyrosine kinase; plus strand). Cytogenetic location: 7q31.2.
Variant type: single nucleotide variant.
Coding change: c.1912A>T on transcript NM_000245.4 (MANE Select); coding-DNA position 1912, A replaced by T.
Protein change: p.Ile638Leu; replaces isoleucine 638 with leucine.
Molecular consequence: missense variant.
Genome position (GRCh38, 1-based): chr7:116,757,486, A>T. VCF-style: chr7-116757486-A-T. GRCh37 (hg19) VCF-style: chr7-116397540-A-T.
Other names: c.1912A>T, p.Ile638Leu (NM_001127500.3, NM_001324401.3); c.622A>T, p.Ile208Leu (NM_001324402.2); short protein forms I208L, I638L.
Identifiers: ClinVar variation 660201 (VCV000660201.14), dbSNP rs1060503536, ClinGen allele CA368979369.

ClinVar aggregate classification (germline): Conflicting classifications of pathogenicity. Review status: criteria provided, conflicting classifications (1 of 4 stars). 3 submissions from 3 submitters: Uncertain significance (2); Likely benign (1). Last evaluated 2025-09-14.

Conditions:
Hereditary cancer-predisposing syndrome. Also called: Hereditary neoplastic syndrome; Neoplastic Syndromes, Hereditary; Hereditary Cancer Syndrome; Tumor predisposition. Identifiers: Orphanet 140162, MedGen C0027672, MeSH D009386, MONDO:0015356.
Renal cell carcinoma. Identifiers: Orphanet 217071, MedGen C0007134, MeSH D002292, MONDO:0005086, HP:0005584.

Allele frequency attached by ClinVar (database versions not stated): gnomAD exomes below 0.00001.
gnomAD v4.1: 6 of 1,613,908 alleles (0.00037%); highest among the groups gnomAD compares: Non-Finnish European, 0.00042%; no homozygotes.

Submissions (3):

Labcorp Genetics (formerly Invitae), Labcorp
Classification: Uncertain significance for Renal cell carcinoma. Last evaluated: 2025-09-14. Review status: criteria provided, single submitter. Criteria: Invitae Variant Classification Sherloc (09022015). Collection method: clinical testing. Allele origin: germline.
Comment: This sequence change replaces isoleucine, which is neutral and non-polar, with leucine, which is neutral and non-polar, at codon 638 of the MET protein (p.Ile638Leu). This variant is not present in population databases (gnomAD no frequency). This variant has not been reported in the literature in individuals affected with MET-related conditions. ClinVar contains an entry for this variant (Variation ID: 660201). Invitae Evidence Modeling of protein sequence and biophysical properties (such as structural, functional, and spatial information, amino acid conservation, physicochemical variation, residue mobility, and thermodynamic stability) indicates that this missense variant is not expected to disrupt MET protein function with a negative predictive value of 80%. In summary, the available evidence is currently insufficient to determine the role of this variant in disease. Therefore, it has been classified as a Variant of Uncertain Significance.

Ambry Genetics
Classification: Likely benign for Hereditary cancer-predisposing syndrome. Last evaluated: 2024-10-10. Review status: criteria provided, single submitter. Criteria: Ambry Variant Classification Scheme 2023. Collection method: clinical testing. Allele origin: germline.

Institute for Clinical Genetics, University Hospital TU Dresden, University Hospital TU Dresden
Classification: Uncertain significance. Last evaluated: 2021-11-03. Review status: criteria provided, single submitter. Criteria: ACMG Guidelines, 2015. Collection method: clinical testing. Allele origin: germline.